The following is an entry in ClinVar:

NM_014915.3(ANKRD26):c.4853G>T (p.Ser1618Ile)

Gene: ANKRD26 (ankyrin repeat domain containing 26; minus strand). Cytogenetic location: 10p12.1.
Variant type: single nucleotide variant.
Coding change: c.4853G>T on transcript NM_014915.3 (MANE Select); coding-DNA position 4853, G replaced by T.
Protein change: p.Ser1618Ile; replaces serine 1618 with isoleucine.
Molecular consequence: missense variant.
Genome position (GRCh38, 1-based): chr10:27,012,982, C>A on the plus strand (G>T on the coding strand, the complement: ANKRD26 is on the minus strand). VCF-style: chr10-27012982-C-A. GRCh37 (hg19) VCF-style: chr10-27301911-C-A.
Other names: c.4850G>T, p.Ser1617Ile (NM_001256053.2); short protein forms S1617I, S1618I.
Identifiers: ClinVar variation 3870036 (VCV003870036.1).

ClinVar aggregate classification (germline): Uncertain significance (1 of 4 stars; one submission).

Conditions:
Inborn genetic diseases. Identifiers: MedGen C0950123, MeSH D030342.

Submission:

Ambry Genetics
Classification: Uncertain significance for Inborn genetic diseases. Last evaluated: 2025-01-05. Review status: criteria provided, single submitter. Criteria: Ambry Variant Classification Scheme 2023. Collection method: clinical testing. Allele origin: germline.
Comment: The p.S1618I variant (also known as c.4853G>T), located in coding exon 32 of the ANKRD26 gene, results from a G to T substitution at nucleotide position 4853. The serine at codon 1618 is replaced by isoleucine, an amino acid with dissimilar properties. This amino acid position is conserved. In addition, this alteration is predicted to be tolerated by in silico analysis. Based on the available evidence, the clinical significance of this variant remains unclear.